The following is an entry in ClinVar:

ClinVar aggregate classification (germline): Likely benign. Review status: criteria provided, multiple submitters, no conflicts (2 of 4 stars). 2 submissions from 2 submitters: Likely benign (2). Last evaluated 2026-08-01.

Conditions:
Hypertrophic cardiomyopathy. Also called: HYPERTROPHIC MYOCARDIOPATHY. Identifiers: Orphanet 217569, MedGen C0007194, MeSH D002312, MONDO:0005045, HP:0001639.

Submissions (2):

CeGaT Center for Human Genetics Tuebingen
Classification: Likely benign. Last evaluated: 2026-08-01. Review status: criteria provided, single submitter. Criteria: CeGaT Center For Human Genetics Tuebingen Variant Classification Criteria Version 2. Collection method: clinical testing. Allele origin: germline. Affected: yes. Observed: 1 variant allele.
Comment: JPH2: PM2:Supporting, BP4, BP7

Labcorp Genetics (formerly Invitae), Labcorp
Classification: Likely benign for Hypertrophic cardiomyopathy. Last evaluated: 2022-03-23. Review status: criteria provided, single submitter. Criteria: Invitae Variant Classification Sherloc (09022015). Collection method: clinical testing. Allele origin: germline.

NM_020433.5(JPH2):c.849C>T (p.Ile283=)

Gene: JPH2 (junctophilin 2; minus strand). Cytogenetic location: 20q13.12.
Variant type: single nucleotide variant.
Coding change: c.849C>T on transcript NM_020433.5 (MANE Select); coding-DNA position 849, C replaced by T.
Protein change: p.Ile283=; no amino-acid change (isoleucine 283 retained).
Molecular consequence: synonymous variant.
Genome position (GRCh38, 1-based): chr20:44,159,938, G>A on the plus strand (C>T on the coding strand, the complement: JPH2 is on the minus strand). VCF-style: chr20-44159938-G-A. GRCh37 (hg19) VCF-style: chr20-42788578-G-A.
Identifiers: ClinVar variation 2040755 (VCV002040755.5), dbSNP rs1286994114, ClinGen allele CA510739588.